The following is an entry in ClinVar:

ClinVar aggregate classification (germline): Uncertain significance (1 of 4 stars; one submission).

Submission:

Labcorp Genetics (formerly Invitae), Labcorp
Classification: Uncertain significance. Last evaluated: 2023-05-09. Review status: criteria provided, single submitter. Criteria: Invitae Variant Classification Sherloc (09022015). Collection method: clinical testing. Allele origin: germline.
Comment: This variant is not present in population databases (gnomAD no frequency). In summary, the available evidence is currently insufficient to determine the role of this variant in disease. Therefore, it has been classified as a Variant of Uncertain Significance. An algorithm developed to predict the effect of missense changes on protein structure and function (PolyPhen-2) suggests that this variant is likely to be tolerated. This variant has not been reported in the literature in individuals affected with ZIC4-related conditions. This sequence change replaces arginine, which is basic and polar, with cysteine, which is neutral and slightly polar, at codon 107 of the ZIC4 protein (p.Arg107Cys).

NM_032153.6(ZIC4):c.169C>T (p.Arg57Cys)

Gene: ZIC4 (Zic family zinc finger 4; minus strand). Cytogenetic location: 3q24.
Variant type: single nucleotide variant.
Coding change: c.169C>T on transcript NM_032153.6 (MANE Select); coding-DNA position 169, C replaced by T.
Protein change: p.Arg57Cys; replaces arginine 57 with cysteine.
Molecular consequence: missense variant. On other transcripts: intron variant (1).
Genome position (GRCh38, 1-based): chr3:147,396,371, G>A on the plus strand (C>T on the coding strand, the complement: ZIC4 is on the minus strand). VCF-style: chr3-147396371-G-A. GRCh37 (hg19) VCF-style: chr3-147114158-G-A.
Other names: c.319C>T, p.Arg107Cys (NM_001168378.1); c.283C>T, p.Arg95Cys (NM_001168379.2); c.71-5125C>T (NM_001243256.2); short protein forms R107C, R57C, R95C.
Identifiers: ClinVar variation 2776448 (VCV002776448.3), dbSNP rs1463321170, ClinGen allele CA354893459.